The following is an entry in ClinVar:

NM_001330260.2(SCN8A):c.2132-13T>C

Gene: SCN8A (sodium voltage-gated channel alpha subunit 8; plus strand). Cytogenetic location: 12q13.13.
Variant type: single nucleotide variant.
Coding change: c.2132-13T>C on transcript NM_001330260.2 (MANE Select); 13 bases into the intron before coding-DNA position 2132, T replaced by C.
Molecular consequence: intron variant.
Genome position (GRCh38, 1-based): chr12:51,751,342, T>C. VCF-style: chr12-51751342-T-C. GRCh37 (hg19) VCF-style: chr12-52145126-T-C.
Other names: c.2132-13T>C (NM_014191.4, NM_001177984.3, NM_001369788.1).
Identifiers: ClinVar variation 2918844 (VCV002918844.3), dbSNP rs1942591148, ClinGen allele CA2036196013.
Genomic context (GRCh38, chr12:51,751,342, plus strand): 5'-TGAGAGTGAGTAGTGTGTCCCCCTGGTTTTCTTGCTGTGATTGAGGGGCCATCTTTGTTC[T>C]TACTTACTGTAGAACTGGAAGAGTCTCAGAGAAAGTGCCCGCCATGCTGGTATAAATTTG-3'

ClinVar aggregate classification (germline): Uncertain significance (1 of 4 stars; one submission).

Conditions:
Early-infantile DEE. Also called: Early infantile epileptic encephalopathy; Early infantile epileptic encephalopathy with suppression bursts; Ohtahara syndrome. Identifiers: Orphanet 1934, MedGen C0393706, MONDO:0800491.

Submission:

Labcorp Genetics (formerly Invitae), Labcorp
Classification: Uncertain significance for Early-infantile DEE. Last evaluated: 2022-12-27. Review status: criteria provided, single submitter. Criteria: Invitae Variant Classification Sherloc (09022015). Collection method: clinical testing. Allele origin: germline.
Comment: In summary, the available evidence is currently insufficient to determine the role of this variant in disease. Therefore, it has been classified as a Variant of Uncertain Significance. Algorithms developed to predict the effect of sequence changes on RNA splicing suggest that this variant may disrupt the consensus splice site. This variant has not been reported in the literature in individuals affected with SCN8A-related conditions. This variant is not present in population databases (gnomAD no frequency). This sequence change falls in intron 13 of the SCN8A gene. It does not directly change the encoded amino acid sequence of the SCN8A protein.